The following is an entry in ClinVar:

ClinVar aggregate classification (germline): Likely benign (1 of 4 stars; one submission).

Submission:

GeneDx
Classification: Likely benign. Last evaluated: 2021-01-12. Review status: criteria provided, single submitter. Criteria: GeneDx Variant Classification Process June 2021. Collection method: clinical testing. Allele origin: germline. Affected: yes.
Comment: See Variant Classification Assertion Criteria.

NC_000003.12:g.15521783CT[1]

Gene: COLQ (collagen like tail subunit of asymmetric acetylcholinesterase; minus strand). Cytogenetic location: 3p25.1.
Variant type: Microsatellite.
Genome position: GRCh38 VCF-style: chr3-15521782-CCT-C. GRCh37 (hg19) VCF-style: chr3-15563289-CCT-C.
Identifiers: ClinVar variation 3340941 (VCV003340941.1).
Genomic context (GRCh38, chr3:15,521,782, plus strand): 5'-CGTGTGTTTGTGTGTGTGTGTGTGCGTGTGTGTGTGTGTCTGTGTGTGTGTGTGTCTTTC[CCT>C]CTTTCTCTTTCCCTCTCCCTCCTCCTCACCCCCTCCCTCTCTCTCCCTCCCCCACCTCTC-3'